The following is an entry in ClinVar:

NM_144988.4(ALG14):c.20T>C (p.Leu7Pro)

Genes: ALG14 (ALG14 UDP-N-acetylglucosaminyltransferase subunit; minus strand), LOC129930989 (ATAC-STARR-seq lymphoblastoid active region 1353; plus strand). Cytogenetic location: 1p21.3.
Variant type: single nucleotide variant.
Coding change: c.20T>C on transcript NM_144988.4 (MANE Select); coding-DNA position 20, T replaced by C.
Protein change: p.Leu7Pro; replaces leucine 7 with proline.
Molecular consequence: missense variant. On other transcripts: non-coding transcript variant (1).
Genome position (GRCh38, 1-based): chr1:95,072,879, A>G on the plus strand (T>C on the coding strand, the complement: ALG14 is on the minus strand). VCF-style: chr1-95072879-A-G. GRCh37 (hg19) VCF-style: chr1-95538435-A-G.
Other names: c.20T>C, p.Leu7Pro (NM_001305242.2); short protein forms L7P.
Identifiers: ClinVar variation 2091129 (VCV002091129.4), dbSNP rs2525880555, ClinGen allele CA341367303.

ClinVar aggregate classification (germline): Uncertain significance (1 of 4 stars; one submission).

Conditions:
Congenital myasthenic syndrome 15. Also called: Myasthenic syndrome, congenital, 15, without tubular aggregates. Identifiers: Orphanet 353327, Orphanet 590, MedGen C4015596, MONDO:0014542, OMIM 616227.

Submission:

Labcorp Genetics (formerly Invitae), Labcorp
Classification: Uncertain significance for Congenital myasthenic syndrome 15. Last evaluated: 2022-01-31. Review status: criteria provided, single submitter. Criteria: Invitae Variant Classification Sherloc (09022015). Collection method: clinical testing. Allele origin: germline.
Comment: This sequence change replaces leucine, which is neutral and non-polar, with proline, which is neutral and non-polar, at codon 7 of the ALG14 protein (p.Leu7Pro). This variant is not present in population databases (gnomAD no frequency). This variant has not been reported in the literature in individuals affected with ALG14-related conditions. Algorithms developed to predict the effect of missense changes on protein structure and function are either unavailable or do not agree on the potential impact of this missense change (SIFT: "Tolerated"; PolyPhen-2: "Possibly Damaging"; Align-GVGD: "Class C0"). In summary, the available evidence is currently insufficient to determine the role of this variant in disease. Therefore, it has been classified as a Variant of Uncertain Significance.